The following is an entry in ClinVar:

NM_015346.4(ZFYVE26):c.4309G>A (p.Gly1437Arg)

Gene: ZFYVE26 (zinc finger FYVE-type containing 26; minus strand). Cytogenetic location: 14q24.1.
Variant type: single nucleotide variant.
Coding change: c.4309G>A on transcript NM_015346.4 (MANE Select); coding-DNA position 4309, G replaced by A.
Protein change: p.Gly1437Arg; replaces glycine 1437 with arginine.
Molecular consequence: missense variant.
Genome position (GRCh38, 1-based): chr14:67,782,843, C>T on the plus strand (G>A on the coding strand, the complement: ZFYVE26 is on the minus strand). VCF-style: chr14-67782843-C-T. GRCh37 (hg19) VCF-style: chr14-68249560-C-T.
Other names: c.4309G>A (NM_015346.3); short protein forms G1437R.
Identifiers: ClinVar variation 2168736 (VCV002168736.4), dbSNP rs535272883, ClinGen allele CA7239798.

ClinVar aggregate classification (germline): Uncertain significance. Review status: criteria provided, multiple submitters, no conflicts (2 of 4 stars). 2 submissions from 2 submitters: Uncertain significance (2). Last evaluated 2025-07-12.

Conditions:
Inborn genetic diseases. Identifiers: MedGen C0950123, MeSH D030342.
Spastic paraplegia. Identifiers: MedGen C0037772, HP:0001258.

Allele frequency attached by ClinVar (database versions not stated): gnomAD 0.00001; gnomAD exomes 0.00001; ExAC 0.00002; 1000 Genomes Project 30x 0.00016; 1000 Genomes Project 0.00020.
gnomAD v4.1: 11 of 1,614,222 alleles (0.00068%); highest among the groups gnomAD compares: Middle Eastern, 0.016%; no homozygotes.

Submissions (2):

Ambry Genetics
Classification: Uncertain significance for Inborn genetic diseases. Last evaluated: 2025-07-12. Review status: criteria provided, single submitter. Criteria: Ambry Variant Classification Scheme 2023. Collection method: clinical testing. Allele origin: germline.

Labcorp Genetics (formerly Invitae), Labcorp
Classification: Uncertain significance for Spastic paraplegia. Last evaluated: 2025-01-06. Review status: criteria provided, single submitter. Criteria: Invitae Variant Classification Sherloc (09022015). Collection method: clinical testing. Allele origin: germline.
Comment: This sequence change replaces glycine, which is neutral and non-polar, with arginine, which is basic and polar, at codon 1437 of the ZFYVE26 protein (p.Gly1437Arg). This variant is present in population databases (rs535272883, gnomAD 0.004%). This variant has not been reported in the literature in individuals affected with ZFYVE26-related conditions. ClinVar contains an entry for this variant (Variation ID: 2168736). An algorithm developed to predict the effect of missense changes on protein structure and function (PolyPhen-2) suggests that this variant is likely to be disruptive. In summary, the available evidence is currently insufficient to determine the role of this variant in disease. Therefore, it has been classified as a Variant of Uncertain Significance.